The following is an entry in ClinVar:

NM_001199138.2(NLRC4):c.1758_1759insGGTCTCCCTCTCCCTCTCCCCGTCTCCCTCTCCCTCTCCCCGTCTCCCTCTCCCTCTCCCCGCCTCCCTCTCCCTCTCCCCGTCTCCCTCTCNNNNNNNNNNAAAAAAAAAAAAAAAAAAAAAAAAGCTTATATATC (p.Asn587fs)

Gene: NLRC4 (NLR family CARD domain containing 4; minus strand). Cytogenetic location: 2p22.3.
Variant type: Insertion.
Coding change: c.1758_1759insGGTCTCCCTCTCCCTCTCCCCGTCTCCCTCTCCCTCTCCCCGTCTCCCTCTCCCTCTCCCCGCCTCCCTCTCCCTCTCCCCGTCTCCCTCTCNNNNNNNNNNAAAAAAAAAAAAAAAAAAAAAAAAGCTTATATATC on transcript NM_001199138.2 (MANE Select); coding-DNA positions 1758 to 1759, GGTCTCCCTCTCCCTCTCCCCGTCTCCCTCTCCCTCTCCCCGTCTCCCTCTCCCTCTCCCCGCCTCCCTCTCCCTCTCCCCGTCTCCCTCTCNNNNNNNNNNAAAAAAAAAAAAAAAAAAAAAAAAGCTTATATATC inserted.
Protein change: p.Asn587fs; shifts the reading frame from asparagine 587.
Molecular consequence: frameshift variant. On other transcripts: intron variant (1).
Genome position: GRCh38: chr2:32,250,120-32,250,121. GRCh37 (hg19): chr2:32,475,189-32,475,190.
Other names: c.1743_1744insAAAAGCTTATATATCGGTCTCCCTCTCCCTCTCCCCGTCTCCCTCTCCCTCTCCCCGTCTCCCTCTCCCTCTCCCCGCCTCCCTCTCCCTCTCCCCGTCTCCCTCTCNNNNNNNNNNAAAAAAAAAAAAAAAAAAAA, p.Asn587Glyfs (NM_001199139.2, NM_021209.5); c.262+2313_262+2314insAAAAGCTTATATATCGGTCTCCCTCTCCCTCTCCCCGTCTCCCTCTCCCTCTCCCCGTCTCCCTCTCCCTCTCCCCGCCTCCCTCTCCCTCTCCCCGTCTCCCTCTCNNNNNNNNNNAAAAAAAAAAAAAAAAAAAA (NM_001302504.1); short protein forms N587fs.
Identifiers: ClinVar variation 2942569 (VCV002942569.3), dbSNP rs2466758253.

ClinVar aggregate classification (germline): Uncertain significance (1 of 4 stars; one submission).

Conditions:
Periodic fever-infantile enterocolitis-autoinflammatory syndrome. Also called: Autoinflammation with infantile enterocolitis. Identifiers: Orphanet 436166, MedGen C4015067, MONDO:0014472, OMIM 616050.
Familial cold autoinflammatory syndrome 4 (FCAS4). Identifiers: Orphanet 47045, Orphanet 576349, MedGen C4015276, MONDO:0014498, OMIM 616115.

Submission:

Labcorp Genetics (formerly Invitae), Labcorp
Classification: Uncertain significance for Periodic fever-infantile enterocolitis-autoinflammatory syndrome; Familial cold autoinflammatory syndrome 4. Last evaluated: 2025-07-10. Review status: criteria provided, single submitter. Criteria: Invitae Variant Classification Sherloc (09022015). Collection method: clinical testing. Allele origin: germline.
Comment: This sequence change inserts a large fragment of DNA, likely a transposable element, in exon 4 of the NLRC4 gene (c.1758_1759ins?), causing a frameshift at codon 587 (p.Asn587fs). The exact size and sequence of the insertion cannot be determined by the current assay. However, the insertion is expected to result in an absent or disrupted protein product. This variant is not present in population databases (gnomAD no frequency). This variant has not been reported in the literature in individuals affected with NLRC4-related conditions. Algorithms developed to predict the effect of sequence changes on RNA splicing suggest that this variant may create or strengthen a splice site. Retrotransposon insertions including LINE1 (L1), Alu, and SVA (SINE-VNTR-Alu) have been reported to disrupt protein function (PMID: 19763152, 20307669, 22406018). However the effect of this particular variant is unknown. In summary, the available evidence is currently insufficient to determine the role of this variant in disease. Therefore, it has been classified as a Variant of Uncertain Significance.

Literature cited by the submitters: PubMed 19763152; PubMed 20307669; PubMed 22406018.